The following is an entry in ClinVar:

ClinVar aggregate classification (germline): Likely pathogenic. Review status: criteria provided, multiple submitters, no conflicts (2 of 4 stars). 3 submissions from 3 submitters: Likely pathogenic (3). Last evaluated 2025-11-15.

Conditions:
Joubert syndrome 2 (JBTS2). Also called: CEREBELLOOCULORENAL SYNDROME 2. Identifiers: Orphanet 2318, MedGen C1842577, MONDO:0011963, OMIM 608091.
Meckel syndrome, type 2 (MKS2). Also called: MKS2-Related Meckel Syndrome; MECKEL-GRUBER SYNDROME, TYPE 2. Identifiers: Orphanet 564, MedGen C1864148, MONDO:0011296, OMIM 603194.
Joubert syndrome. Also called: Familial aplasia of the vermis; CEREBELLOPARENCHYMAL DISORDER IV; JOUBERT-BOLTSHAUSER SYNDROME. Identifiers: Orphanet 475, MedGen C5979921, MONDO:0018772.

Allele frequency attached by ClinVar (database versions not stated): TOPMed below 0.00001.

Submissions (3):

Natera, Inc.
Classification: Likely pathogenic for Joubert syndrome type 2. Last evaluated: 2025-11-15. Review status: criteria provided, single submitter. Criteria: Natera Variant Classification Schema (03/2026). Collection method: clinical testing. Allele origin: germline.
Comment: The c.230-2A>G variant in TMEM216 is a canonical splice acceptor site variant predicted to affect pre-mRNA splicing, which may result in an abnormal transcript and altered protein product. This variant is expected to result in nonsense mediated decay, truncation, or a dysfunctional protein product. This variant is rare in the general population with a frequency below the threshold expected for the associated phenotype(s). Given the available evidence, this variant is classified as Likely Pathogenic.

Fulgent Genetics
Classification: Likely pathogenic for Meckel syndrome, type 2; Joubert syndrome 2. Last evaluated: 2021-08-18. Review status: criteria provided, single submitter. Criteria: ACMG Guidelines, 2015. Collection method: clinical testing. Allele origin: unknown.

Labcorp Genetics (formerly Invitae), Labcorp
Classification: Likely pathogenic for Joubert syndrome. Last evaluated: 2019-11-16. Review status: criteria provided, single submitter. Criteria: Invitae Variant Classification Sherloc (09022015). Collection method: clinical testing. Allele origin: germline.
Comment: This sequence change affects an acceptor splice site in intron 3 of the TMEM216 gene. It is expected to disrupt RNA splicing and likely results in an absent or disrupted protein product. Algorithms developed to predict the effect of sequence changes on RNA splicing suggest that this variant may disrupt the consensus splice site, but this prediction has not been confirmed by published transcriptional studies. This variant has not been reported in the literature in individuals with TMEM216-related conditions. This variant is not present in population databases (ExAC no frequency). In summary, the currently available evidence indicates that the variant is pathogenic, but additional data are needed to prove that conclusively. Therefore, this variant has been classified as Likely Pathogenic. Donor and acceptor splice site variants typically lead to a loss of protein function (PMID: 16199547), and loss-of-function variants in TMEM216 are known to be pathogenic (PMID: 20512146).

Literature cited by the submitters: PubMed 16199547 (cited by Labcorp Genetics (formerly Invitae), Labcorp); PubMed 20512146 (cited by Labcorp Genetics (formerly Invitae), Labcorp).

NM_001173990.3(TMEM216):c.230-2A>G

Gene: TMEM216 (transmembrane protein 216; plus strand). Cytogenetic location: 11q12.2.
Variant type: single nucleotide variant.
Coding change: c.230-2A>G on transcript NM_001173990.3 (MANE Select); the canonical splice acceptor site of the intron before coding-DNA position 230, A replaced by G.
Molecular consequence: splice acceptor variant.
Genome position (GRCh38, 1-based): chr11:61,397,772, A>G. VCF-style: chr11-61397772-A-G. GRCh37 (hg19) VCF-style: chr11-61165244-A-G.
Other names: c.47-2A>G (NM_016499.6, NM_001330285.2); c.230-2A>G (NM_001173991.3).
Identifiers: ClinVar variation 961772 (VCV000961772.10), dbSNP rs1211592806, ClinGen allele CA380685752.